The following is an entry in ClinVar:

NM_001009944.3(PKD1):c.162_163dup (p.Gly55fs)

Gene: PKD1 (polycystin 1, transient receptor potential channel interacting; minus strand). Cytogenetic location: 16p13.3.
Variant type: Microsatellite.
Coding change: c.162_163dup on transcript NM_001009944.3 (MANE Select); coding-DNA positions 162 to 163, 2 bases duplicated (CG; older notation c.162_163dupCG).
Protein change: p.Gly55fs; shifts the reading frame from glycine 55.
Molecular consequence: frameshift variant.
Genome position (GRCh38, 1-based): chr16:2,135,527-2,135,528, CG duplicated on the plus strand (CG on the coding strand, the reverse complement: PKD1 is on the minus strand); duplicating any 2 consecutive bases within chr16:2,135,527-2,135,530 gives the same sequence; the c. name uses the placement nearest the transcript's 3' end. VCF-style (leftmost placement, unchanged base first): chr16-2135526-C-CCG. GRCh37 (hg19) VCF-style: chr16-2185527-C-CCG.
Other names: c.162_163dup, p.Gly55fs (NM_000296.4); short protein forms G55fs.
Identifiers: ClinVar variation 5007645 (VCV005007645.1).
Genomic context (GRCh38, chr16:2,135,526, plus strand): 5'-GCTACTCACAGCGCTGTGGCGTCCGCGGGGATGCGCAGCGCGGGACCGAGCGTCCGCAGC[C>CCG]CGCGGCCCGAGCAGTTGACGCGGCAGGCGGCGCCGGGCGCTGGGCCGCAGAGGCAGGGGG-3'

ClinVar aggregate classification (germline): Pathogenic (1 of 4 stars; one submission).

Conditions:
Polycystic kidney disease, adult type (PKD1). Also called: Polycystic Kidney, Autosomal Dominant; Polycystic Kidney Disease 1, Autosomal Dominant; Polycystic kidney disease 1; Polycystic kidney disease 1, severe; POLYCYSTIC KIDNEY DISEASE, ADULT, TYPE I; POLYCYSTIC KIDNEY DISEASE 1 WITH OR WITHOUT POLYCYSTIC LIVER DISEASE. Identifiers: MedGen C3149841, MONDO:0008263, OMIM 173900.

Submission:

Juno Genomics, Hangzhou Juno Genomics, Inc
Classification: Pathogenic for Polycystic kidney disease, adult type. Review status: criteria provided, single submitter. Criteria: ACMG Guidelines, 2015. Collection method: clinical testing. Allele origin: germline. Affected: yes.
Comment: Absent from controls (or at extremely low frequency if recessive) in Genome Aggregation Database.;Null variant in a gene where loss of function (LOF) is a known mechanism of disease.;Patient's phenotype or family history is highly specific for a disease with a single genetic etiology.